The following is an entry in ClinVar:

ClinVar aggregate classification (germline): Likely benign (1 of 4 stars; one submission).

Submission:

Athena Diagnostics
Classification: Likely benign. Last evaluated: 2024-12-17. Review status: criteria provided, single submitter. Criteria: Athena Diagnostics Criteria. Collection method: clinical testing. Allele origin: unknown.
Comment: The nature of this variant on its own does not support pathogenicity. This variant has been identified in at least one clinically healthy individual.

Literature cited by the submitters: PubMed 29129316; PubMed 27853923; PubMed 26968334; PubMed 26095975; PubMed 19736351; PubMed 20506139; PubMed 25217958; PubMed 23894120.

Single allele

Gene: CHRNA7 (cholinergic receptor nicotinic alpha 7 subunit). Cytogenetic location: 15q13.3.
Variant type: Duplication.
Identifiers: ClinVar variation 1807239 (VCV001807239.2).